The following is an entry in ClinVar:

NM_000726.5(CACNB4):c.1031G>A (p.Arg344Gln)

Gene: CACNB4 (calcium voltage-gated channel auxiliary subunit beta 4; minus strand). Cytogenetic location: 2q23.3.
Variant type: single nucleotide variant.
Coding change: c.1031G>A on transcript NM_000726.5 (MANE Select); coding-DNA position 1031, G replaced by A.
Protein change: p.Arg344Gln; replaces arginine 344 with glutamine.
Molecular consequence: missense variant.
Genome position (GRCh38, 1-based): chr2:151,853,533, C>T on the plus strand (G>A on the coding strand, the complement: CACNB4 is on the minus strand). VCF-style: chr2-151853533-C-T. GRCh37 (hg19) VCF-style: chr2-152710047-C-T.
Other names: p.R344Q:CGG>CAG; c.977G>A, p.Arg326Gln (NM_001005746.4); c.929G>A, p.Arg310Gln (NM_001005747.4); c.1031G>A, p.Arg344Gln (NM_001145798.3); c.890G>A, p.Arg297Gln (NM_001320722.3, NM_001330118.2); c.788G>A, p.Arg263Gln (NM_001330113.2); c.377G>A, p.Arg126Gln (NM_001330114.2); c.740G>A, p.Arg247Gln (NM_001330115.2); and 2 more; short protein forms R344Q, R326Q, R126Q, R158Q, R234Q, R247Q, R263Q, R297Q.
Identifiers: ClinVar variation 204931 (VCV000204931.40), dbSNP rs776608168, ClinGen allele CA313389.

ClinVar aggregate classification (germline): Conflicting classifications of pathogenicity. Review status: criteria provided, conflicting classifications (1 of 4 stars). 5 submissions from 5 submitters: Uncertain significance (4); Likely benign (1). Last evaluated 2025-08-21.

Conditions:
Idiopathic generalized epilepsy. Also called: EIG; Generalised epilepsy. Identifiers: MedGen C0270850, MONDO:0005579, OMIM 600669.

Allele frequency attached by ClinVar (database versions not stated): gnomAD exomes 0.00005 and 0.00014; ExAC 0.00008; TOPMed 0.00008; gnomAD 0.00009.
gnomAD v4.1: 207 of 1,582,246 alleles (0.013%); highest among the groups gnomAD compares: Non-Finnish European, 0.017%; no homozygotes.

Submissions (5):

GeneDx
Classification: Uncertain significance. Last evaluated: 2025-08-21. Review status: criteria provided, single submitter. Criteria: GeneDx Variant Classification Process June 2021. Collection method: clinical testing. Allele origin: germline. Affected: yes.
Comment: In silico analysis supports that this missense variant has a deleterious effect on protein structure/function; Has not been previously published as pathogenic or benign to our knowledge; Variants in candidate genes are classified as variants of uncertain significance in accordance with ACMG guidelines (PMID: 25741868)

Labcorp Genetics (formerly Invitae), Labcorp
Classification: Uncertain significance for Idiopathic generalized epilepsy. Last evaluated: 2024-10-23. Review status: criteria provided, single submitter. Criteria: Invitae Variant Classification Sherloc (09022015). Collection method: clinical testing. Allele origin: germline.
Comment: This sequence change replaces arginine, which is basic and polar, with glutamine, which is neutral and polar, at codon 344 of the CACNB4 protein (p.Arg344Gln). This variant is present in population databases (rs776608168, gnomAD 0.01%). This variant has not been reported in the literature in individuals affected with CACNB4-related conditions. ClinVar contains an entry for this variant (Variation ID: 204931). An algorithm developed to predict the effect of missense changes on protein structure and function (PolyPhen-2) suggests that this variant is likely to be disruptive. In summary, the available evidence is currently insufficient to determine the role of this variant in disease. Therefore, it has been classified as a Variant of Uncertain Significance.

Athena Diagnostics
Classification: Likely benign. Last evaluated: 2024-09-25. Review status: criteria provided, single submitter. Criteria: Athena Diagnostics Criteria. Collection method: clinical testing. Allele origin: unknown.

CeGaT Center for Human Genetics Tuebingen
Classification: Uncertain significance. Last evaluated: 2022-10-01. Review status: criteria provided, single submitter. Criteria: CeGaT Center For Human Genetics Tuebingen Variant Classification Criteria Version 2. Collection method: clinical testing. Allele origin: germline. Affected: yes. Observed: 1 variant allele.
Comment: CACNB4: PP3

Ambry Genetics
Classification: Uncertain significance. Last evaluated: 2021-07-15. Review status: criteria provided, single submitter. Criteria: Ambry Variant Classification Scheme 2023. Collection method: clinical testing. Allele origin: germline.